The following is an entry in ClinVar:

NC_000001.10:g.(?_44360035)_(44360169_?)del

Gene: ST3GAL3 (ST3 beta-galactoside alpha-2,3-sialyltransferase 3; plus strand). Cytogenetic location: 1p34.1.
Variant type: Deletion.
Identifiers: ClinVar variation 2425556 (VCV002425556.4).

ClinVar aggregate classification (germline): Pathogenic (1 of 4 stars; one submission).

Conditions:
Developmental and epileptic encephalopathy. Identifiers: MedGen C5779964, MONDO:0100620.

Submission:

Labcorp Genetics (formerly Invitae), Labcorp
Classification: Pathogenic for Early-infantile DEE. Last evaluated: 2022-06-14. Review status: criteria provided, single submitter. Criteria: Invitae Variant Classification Sherloc (09022015). Collection method: clinical testing. Allele origin: germline.
Comment: For these reasons, this variant has been classified as Pathogenic. This variant has not been reported in the literature in individuals affected with ST3GAL3-related conditions. This variant is a gross deletion of the genomic region encompassing exon(s) 6 of the ST3GAL3 gene. This deletion is out-of-frame, and is expected to create a premature termination codon and result in an absent or disrupted protein product. Loss-of-function variants in ST3GAL3 are known to be pathogenic (PMID: 31584066).

Literature cited by the submitters: PubMed 31584066.